The following is an entry in ClinVar:

NM_030650.3(LNPK):c.258-7C>T

Gene: LNPK (lunapark, ER junction formation factor; minus strand). Cytogenetic location: 2q31.1.
Variant type: single nucleotide variant.
Coding change: c.258-7C>T on transcript NM_030650.3 (MANE Select); 7 bases into the intron before coding-DNA position 258, C replaced by T.
Molecular consequence: intron variant.
Genome position (GRCh38, 1-based): chr2:175,979,875, G>A on the plus strand (C>T on the coding strand, the complement: LNPK is on the minus strand). VCF-style: chr2-175979875-G-A. GRCh37 (hg19) VCF-style: chr2-176844603-G-A.
Other names: c.-112-7C>T (NM_001305011.2); c.264-7C>T (NM_001305010.1); c.258-7C>T (NM_001305009.1); c.456-7C>T (NM_001305008.1).
Identifiers: ClinVar variation 3053746 (VCV003053746.2), dbSNP rs750946983, ClinGen allele CA1976057.

ClinVar aggregate classification (germline): Likely benign (0 of 4 stars; one submission).

Conditions:
LNPK-related disorder. Also called: LNPK-related condition.

Allele frequency attached by ClinVar (database versions not stated): gnomAD exomes 0.00001; ExAC 0.00008; TOPMed 0.00011; gnomAD 0.00013.
gnomAD v4.1: 42 of 1,566,102 alleles (0.0027%); highest among the groups gnomAD compares: African/African-American, 0.051%; no homozygotes.

Submission:

PreventionGenetics, part of Exact Sciences
Classification: Likely benign for LNPK-related condition. Last evaluated: 2019-08-28. Review status: no assertion criteria provided. Collection method: clinical testing. Allele origin: germline.
Comment: This variant is classified as likely benign based on ACMG/AMP sequence variant interpretation guidelines (Richards et al. 2015 PMID: 25741868, with internal and published modifications).